The following is an entry in ClinVar:

ClinVar aggregate classification (germline): Conflicting classifications of pathogenicity. Review status: criteria provided, conflicting classifications (1 of 4 stars). 4 submissions from 3 submitters: Likely pathogenic (2); Uncertain significance (1). 1 of the submissions does not count toward it. Last evaluated 2025-02-14.

Conditions:
CFTR-related disorder (CFTR-RD). Also called: CFTR-related disorders; CFTR-related condition. Identifiers: MedGen C5924204, MONDO:7770004.
Cystic fibrosis (CF). Also called: MUCOVISCIDOSIS. Identifiers: Orphanet 586, MedGen C0010674, MONDO:0009061, OMIM 219700. Disease mechanism: loss of function.

Submissions (4):

Quest Diagnostics Nichols Institute San Juan Capistrano
Classification: Uncertain significance. Last evaluated: 2025-02-14. Review status: criteria provided, single submitter. Criteria: Quest Diagnostics criteria. Collection method: clinical testing. Allele origin: unknown.
Comment: The CFTR c.1375_1383del (p.Ser459_Gly461del) variant has been reported in the published literature in individuals with CF (cystic fibrosis) (PMID: 32026723 (2020)). This variant has not been reported in large, multi-ethnic general populations (Genome Aggregation Database). Based on the available information, we are unable to determine the clinical significance of this variant.

Blueprint Genetics
Classification: Likely pathogenic for CFTR-related disorders. Last evaluated: 2024-04-18. Review status: criteria provided, single submitter. Criteria: ACMG Guidelines, 2015. Collection method: clinical testing. Allele origin: germline. Affected: yes. Observed: 2 variant alleles.

Genomic Medicine Center of Excellence, King Faisal Specialist Hospital and Research Centre
Classification: Likely pathogenic for Cystic fibrosis. Last evaluated: 2024-03-29. Review status: criteria provided, single submitter. Criteria: ACMG Guidelines, 2015. Collection method: clinical testing. Allele origin: germline.

Genomic Medicine Center of Excellence, King Faisal Specialist Hospital and Research Centre
Classification: Likely pathogenic. Review status: flagged submission. Criteria: ACMG Guidelines, 2015. Collection method: research. Allele origin: germline. Affected: yes. Not counted in ClinVar's aggregate classification.
ClinVar note: Reason: This record appears to be redundant with a more recent record from the same submitter.
ClinVar note: Notes: SCV000221731 appears to be redundant with SCV004807946.

Literature cited by the submitters: PubMed 32026723 (cited by Quest Diagnostics Nichols Institute San Juan Capistrano); PubMed 27124789 (cited by Quest Diagnostics Nichols Institute San Juan Capistrano); PubMed 26112015 (cited by Quest Diagnostics Nichols Institute San Juan Capistrano); PubMed 36855133 (cited by Quest Diagnostics Nichols Institute San Juan Capistrano).

NM_000492.4(CFTR):c.1375_1383del (p.Ser459_Gly461del)

Genes: CFTR (CF transmembrane conductance regulator; plus strand), CFTR-AS1 (CFTR antisense RNA 1; minus strand). Cytogenetic location: 7q31.2.
Variant type: Deletion.
Coding change: c.1375_1383del on transcript NM_000492.4 (MANE Select); coding-DNA positions 1375 to 1383, 9 bases deleted (TCCACTGGA; older notation c.1375_1383delTCCACTGGA).
Protein change: p.Ser459_Gly461del.
Molecular consequence: inframe deletion.
Genome position (GRCh38, 1-based): chr7:117,548,806-117,548,814, TCCACTGGA deleted; deleting any 9 consecutive bases within chr7:117,548,801-117,548,814 gives the same sequence; the c. name uses the placement nearest the transcript's 3' end. VCF-style (leftmost placement, unchanged base first): chr7-117548800-GCTGGATCCA-G. GRCh37 (hg19) VCF-style: chr7-117188854-GCTGGATCCA-G.
Other names: c.1375_1383del (NM_000492.3).
Identifiers: ClinVar variation 191339 (VCV000191339.4), dbSNP rs786205658, ClinGen allele CA236459.